The following is an entry in ClinVar:

NM_000038.6(APC):c.1298A>T (p.Gln433Leu)

Gene: APC (APC regulator of Wnt signaling pathway; plus strand). Cytogenetic location: 5q22.2.
Variant type: single nucleotide variant.
Coding change: c.1298A>T on transcript NM_000038.6 (MANE Select); coding-DNA position 1298, A replaced by T.
Protein change: p.Gln433Leu; replaces glutamine 433 with leucine.
Molecular consequence: missense variant.
Genome position (GRCh38, 1-based): chr5:112,819,330, A>T. VCF-style: chr5-112819330-A-T. GRCh37 (hg19) VCF-style: chr5-112155027-A-T.
Other names: c.1298A>T, p.Gln433Leu (NM_001127510.3, NM_001354895.2, NM_001354896.2); c.1244A>T, p.Gln415Leu (NM_001127511.3); c.1328A>T, p.Gln443Leu (NM_001354897.2); c.1223A>T, p.Gln408Leu (NM_001354898.2); c.1214A>T, p.Gln405Leu (NM_001354899.2); c.1121A>T, p.Gln374Leu (NM_001354900.2, NM_001354901.2); c.1025A>T, p.Gln342Leu (NM_001354902.2); c.995A>T, p.Gln332Leu (NM_001354903.2); and 3 more; short protein forms Q415L, Q433L, Q150L, Q342L, Q405L, Q273L, Q332L, Q408L.
Identifiers: ClinVar variation 418775 (VCV000418775.11), dbSNP rs1064793424, ClinGen allele CA16024149.

ClinVar aggregate classification (germline): Uncertain significance. Review status: criteria provided, multiple submitters, no conflicts (2 of 4 stars). 3 submissions from 3 submitters: Uncertain significance (3). Last evaluated 2022-07-25.

Conditions:
Familial adenomatous polyposis 1 (FAP1). Also called: FAMILIAL ADENOMATOUS POLYPOSIS 1, ATTENUATED; POLYPOSIS, ADENOMATOUS INTESTINAL. Identifiers: MedGen C2713442, MONDO:0021056, OMIM 175100. Disease mechanism: loss of function.
Hereditary cancer-predisposing syndrome. Also called: Hereditary neoplastic syndrome; Tumor predisposition; Neoplastic Syndromes, Hereditary; Hereditary Cancer Syndrome. Identifiers: Orphanet 140162, MedGen C0027672, MeSH D009386, MONDO:0015356.

Submissions (3):

Ambry Genetics
Classification: Uncertain significance for Hereditary cancer-predisposing syndrome. Last evaluated: 2022-07-25. Review status: criteria provided, single submitter. Criteria: Ambry Variant Classification Scheme 2023. Collection method: clinical testing. Allele origin: germline.
Comment: The p.Q433L variant (also known as c.1298A>T), located in coding exon 9 of the APC gene, results from an A to T substitution at nucleotide position 1298. The glutamine at codon 433 is replaced by leucine, an amino acid with dissimilar properties. This amino acid position is highly conserved in available vertebrate species. In addition, in silico predictors for this gene do not accurately predict pathogenicity. Since supporting evidence is limited at this time, the clinical significance of this alteration remains unclear.

Labcorp Genetics (formerly Invitae), Labcorp
Classification: Uncertain significance for Familial adenomatous polyposis 1. Last evaluated: 2022-04-16. Review status: criteria provided, single submitter. Criteria: Invitae Variant Classification Sherloc (09022015). Collection method: clinical testing. Allele origin: germline.
Comment: In summary, the available evidence is currently insufficient to determine the role of this variant in disease. Therefore, it has been classified as a Variant of Uncertain Significance. Algorithms developed to predict the effect of missense changes on protein structure and function are either unavailable or do not agree on the potential impact of this missense change (SIFT: "Deleterious"; PolyPhen-2: "Benign"; Align-GVGD: "Class C0"). ClinVar contains an entry for this variant (Variation ID: 418775). This variant has not been reported in the literature in individuals affected with APC-related conditions. This variant is not present in population databases (gnomAD no frequency). This sequence change replaces glutamine, which is neutral and polar, with leucine, which is neutral and non-polar, at codon 433 of the APC protein (p.Gln433Leu).

GeneDx
Classification: Uncertain significance. Last evaluated: 2015-03-30. Review status: criteria provided, single submitter. Criteria: GeneDx Variant Classification (06012015). Collection method: clinical testing. Allele origin: germline. Affected: yes.
Comment: This variant is denoted APC c.1298A>T at the cDNA level, p.Gln433Leu (Q433L) at the protein level, and results in the change of a Glutamine to a Leucine (CAG>CTG). This variant has not, to our knowledge, been published in the literature as pathogenic or benign. APC Gln433Leu was not observed in approximately 6,500 individuals of European and African American ancestry in the NHLBI Exome Sequencing Project, indicating it is not a common benign variant in these populations. Since Glutamine and Leucine differ in polarity, charge, size or other properties, this is considered a non-conservative amino acid substitution. APC Gln433Leu occurs at a position that is conserved across species and is not located in a known functional domain (Azzopardi 2008). In silico analyses are inconsistent regarding the effect this variant may have on protein structure and function. Based on currently available information, it is unclear whether APC Gln433Leu is pathogenic or benign. We consider it to be a variant of uncertain significance.